The following is an entry in ClinVar:

NM_001466.4(FZD2):c.1528T>C (p.Tyr510His)

Gene: FZD2 (frizzled class receptor 2; plus strand). Cytogenetic location: 17q21.31.
Variant type: single nucleotide variant.
Coding change: c.1528T>C on transcript NM_001466.4 (MANE Select); coding-DNA position 1528, T replaced by C.
Protein change: p.Tyr510His; replaces tyrosine 510 with histidine.
Molecular consequence: missense variant.
Genome position (GRCh38, 1-based): chr17:44,559,216, T>C. VCF-style: chr17-44559216-T-C. GRCh37 (hg19) VCF-style: chr17-42636584-T-C.
Other names: short protein forms Y510H.
Identifiers: ClinVar variation 4746245 (VCV004746245.1).
Genomic context (GRCh38, chr17:44,559,216, plus strand): 5'-TGGGAGCGCTCGTGGGTGAGCCAGCACTGCAAGAGCCTGGCCATCCCGTGCCCGGCGCAC[T>C]ACACGCCGCGCATGTCGCCCGACTTCACGGTCTACATGATCAAATACCTCATGACGCTCA-3'
Protein context (NP_001457.1, residues 500-520): KSLAIPCPAH[Tyr510His]TPRMSPDFTV

ClinVar aggregate classification (germline): Uncertain significance (1 of 4 stars; one submission).

Submission:

Labcorp Genetics (formerly Invitae), Labcorp
Classification: Uncertain significance. Last evaluated: 2025-11-08. Review status: criteria provided, single submitter. Criteria: Invitae Variant Classification Sherloc (09022015). Collection method: clinical testing. Allele origin: germline.
Comment: This sequence change replaces tyrosine, which is neutral and polar, with histidine, which is basic and polar, at codon 510 of the FZD2 protein (p.Tyr510His). This variant is present in population databases (no rsID available, gnomAD 0.0009%). This variant has not been reported in the literature in individuals affected with FZD2-related conditions. Invitae Evidence Modeling of protein sequence and biophysical properties (such as structural, functional, and spatial information, amino acid conservation, physicochemical variation, residue mobility, and thermodynamic stability) indicates that this missense variant is not expected to disrupt FZD2 protein function with a negative predictive value of 80%. In summary, the available evidence is currently insufficient to determine the role of this variant in disease. Therefore, it has been classified as a Variant of Uncertain Significance.